The following is an entry in ClinVar:

ClinVar aggregate classification (germline): Likely benign. Review status: criteria provided, multiple submitters, no conflicts (2 of 4 stars). 8 submissions from 8 submitters: Likely benign (8). Last evaluated 2026-06-12.

Conditions:
Cardiovascular phenotype. Identifiers: MedGen CN230736.
Myofibrillar myopathy 5. Also called: Filaminopathy (type); FILAMINOPATHY, AUTOSOMAL DOMINANT. Identifiers: Orphanet 171445, MedGen C1836050, MONDO:0012289, OMIM 609524.
Hypertrophic cardiomyopathy 26. Also called: Cardiomyopathy, familial hypertrophic, 26. Identifiers: Orphanet 75249, MedGen C4310749, MONDO:0014883, OMIM 617047.
Distal myopathy with posterior leg and anterior hand involvement. Also called: WILLIAMS DISTAL MYOPATHY. Identifiers: Orphanet 63273, MedGen C3279722, MONDO:0013550, OMIM 614065.
FLNC-related disorder. Also called: FLNC-related condition; FLNC-related disorders.

Allele frequency attached by ClinVar (database versions not stated): gnomAD exomes 0.00001; gnomAD 0.00005; TOPMed 0.00005; ExAC 0.00007.
gnomAD v4.1: 33 of 1,594,286 alleles (0.0021%); highest among the groups gnomAD compares: African/African-American, 0.011%; no homozygotes.

Submissions (8):

Women's Health and Genetics/Laboratory Corporation of America, LabCorp
Classification: Likely benign. Last evaluated: 2026-06-12. Review status: criteria provided, single submitter. Criteria: LabCorp Variant Classification Summary - May 2015. Collection method: clinical testing. Allele origin: germline.

Molecular Diagnostic Laboratory for Inherited Cardiovascular Disease, Montreal Heart Institute
Classification: Likely benign. Last evaluated: 2026-03-27. Review status: criteria provided, single submitter. Criteria: ACMG Guidelines, 2015. Collection method: clinical testing. Allele origin: germline. Affected: no.

Labcorp Genetics (formerly Invitae), Labcorp
Classification: Likely benign for Distal myopathy with posterior leg and anterior hand involvement; Myofibrillar myopathy 5; Hypertrophic cardiomyopathy 26. Last evaluated: 2025-12-31. Review status: criteria provided, single submitter. Criteria: Invitae Variant Classification Sherloc (09022015). Collection method: clinical testing. Allele origin: germline.

CeGaT Center for Human Genetics Tuebingen
Classification: Likely benign. Last evaluated: 2025-10-01. Review status: criteria provided, single submitter. Criteria: CeGaT Center For Human Genetics Tuebingen Variant Classification Criteria Version 2. Collection method: clinical testing. Allele origin: germline. Affected: yes. Observed: 1 variant allele.
Comment: FLNC: BP4, BP7

PreventionGenetics, part of Exact Sciences
Classification: Likely benign for FLNC-related condition. Last evaluated: 2025-05-25. Review status: criteria provided, single submitter. Criteria: ACMG Guidelines, 2015. Collection method: clinical testing. Allele origin: germline.
Comment: This variant is classified as likely benign based on ACMG/AMP sequence variant interpretation guidelines (Richards et al. 2015 PMID: 25741868, with internal and published modifications).

Blueprint Genetics
Classification: Likely benign. Last evaluated: 2024-05-02. Review status: criteria provided, single submitter. Criteria: ACMG Guidelines, 2015. Collection method: clinical testing. Allele origin: germline.

Ambry Genetics
Classification: Likely benign for Cardiovascular phenotype. Last evaluated: 2022-04-09. Review status: criteria provided, single submitter. Criteria: Ambry Variant Classification Scheme 2023. Collection method: clinical testing. Allele origin: germline.

GeneDx
Classification: Likely benign. Last evaluated: 2019-04-11. Review status: criteria provided, single submitter. Criteria: GeneDx Variant Classification Process June 2021. Collection method: clinical testing. Allele origin: germline. Affected: yes.

NM_001458.5(FLNC):c.942C>T (p.Ile314=)

Gene: FLNC (filamin C; plus strand). Cytogenetic location: 7q32.1.
Variant type: single nucleotide variant.
Coding change: c.942C>T on transcript NM_001458.5 (MANE Select); coding-DNA position 942, C replaced by T.
Protein change: p.Ile314=; no amino-acid change (isoleucine 314 retained).
Molecular consequence: synonymous variant.
Genome position (GRCh38, 1-based): chr7:128,837,728, C>T. VCF-style: chr7-128837728-C-T. GRCh37 (hg19) VCF-style: chr7-128477782-C-T.
Other names: c.942C>T, p.Ile314= (NM_001127487.2).
Identifiers: ClinVar variation 1153565 (VCV001153565.22), dbSNP rs746121984, ClinGen allele CA4474172.
Genomic context (GRCh38, chr7:128,837,728, plus strand): 5'-GCCTGCCCACTTCACCGTGCAGACGGTGGACGCGGGCGTGGGCGAGGTGCTGGTCTACAT[C>T]GAGGACCCTGAAGGCCACACCGAGGAGGTATGCAGAGGCCGCTGGGGACAGAGGGATTCA-3'
Protein context (NP_001449.3, residues 304-324): DAGVGEVLVY[Ile314=]EDPEGHTEEA